The following is an entry in ClinVar:

NC_000005.9:g.(?_161495006)_(161580374_?)dup

Gene: GABRG2 (gamma-aminobutyric acid type A receptor subunit gamma2; plus strand). Cytogenetic location: 5q34.
Variant type: Duplication.
Identifiers: ClinVar variation 3246367 (VCV003246367.1).

ClinVar aggregate classification (germline): Uncertain significance (1 of 4 stars; one submission).

Conditions:
Febrile seizures, familial, 8 (FEB8). Also called: CONVULSIONS, FAMILIAL FEBRILE, 8. Identifiers: Orphanet 36387, MedGen C1969810, MONDO:0011891, OMIM 607681.
EPILEPSY, CHILDHOOD ABSENCE, SUSCEPTIBILITY TO, 2 (ECA2). Identifiers: Orphanet 64280, MedGen C1843244, OMIM 607681.

Submission:

Labcorp Genetics (formerly Invitae), Labcorp
Classification: Uncertain significance for Febrile seizures, familial, 8; EPILEPSY, CHILDHOOD ABSENCE, SUSCEPTIBILITY TO, 2. Last evaluated: 2023-09-19. Review status: criteria provided, single submitter. Criteria: Invitae Variant Classification Sherloc (09022015). Collection method: clinical testing. Allele origin: unknown.
Comment: In summary, the available evidence is currently insufficient to determine the role of this variant in disease. Therefore, it has been classified as a Variant of Uncertain Significance. This variant has not been reported in the literature in individuals affected with GABRG2-related conditions. A copy number gain of the genomic region encompassing the full coding sequence of the GABRG2 gene has been identified. The boundaries of this event are unknown as they extend beyond the assayed region for this gene and therefore may encompass additional genes. As the precise location of this event is unknown, it may be in tandem or it may be located elsewhere in the genome.